The following is an entry in ClinVar:

NM_000180.4(GUCY2D):c.2875G>A (p.Ala959Thr)

Gene: GUCY2D (guanylate cyclase 2D, retinal; plus strand). Cytogenetic location: 17p13.1.
Variant type: single nucleotide variant.
Coding change: c.2875G>A on transcript NM_000180.4 (MANE Select); coding-DNA position 2875, G replaced by A.
Protein change: p.Ala959Thr; replaces alanine 959 with threonine.
Molecular consequence: missense variant.
Genome position (GRCh38, 1-based): chr17:8,015,433, G>A. VCF-style: chr17-8015433-G-A. GRCh37 (hg19) VCF-style: chr17-7918751-G-A.
Other names: short protein forms A959T.
Identifiers: ClinVar variation 1014167 (VCV001014167.8), dbSNP rs768417052, ClinGen allele CA8366245.

ClinVar aggregate classification (germline): Uncertain significance. Review status: criteria provided, multiple submitters, no conflicts (2 of 4 stars). 2 submissions from 2 submitters: Uncertain significance (2). Last evaluated 2025-09-02.

Conditions:
Cone-rod dystrophy 6 (CORD6). Also called: Cone dystrophy progressive; RETINAL CONE DYSTROPHY 2. Identifiers: Orphanet 1872, MedGen C1866293, MONDO:0011143, OMIM 601777.
Leber congenital amaurosis 1 (LCA1). Also called: AMAUROSIS CONGENITA OF LEBER I; RETINAL BLINDNESS, CONGENITAL; Congenital absence of the rods and cones; Leber's congenital tapetoretinal degeneration; Leber's congenital tapetoretinal dysplasia. Identifiers: Orphanet 65, MedGen C2931258, MONDO:0008764, OMIM 204000.

Allele frequency attached by ClinVar (database versions not stated): TOPMed below 0.00001; gnomAD exomes 0.00001; ExAC 0.00002.
gnomAD v4.1: 19 of 1,613,922 alleles (0.0012%); highest among the groups gnomAD compares: South Asian, 0.021%; no homozygotes.

Submissions (2):

Labcorp Genetics (formerly Invitae), Labcorp
Classification: Uncertain significance for Leber congenital amaurosis 1; Cone-rod dystrophy 6. Last evaluated: 2025-09-02. Review status: criteria provided, single submitter. Criteria: Invitae Variant Classification Sherloc (09022015). Collection method: clinical testing. Allele origin: germline.
Comment: This sequence change replaces alanine, which is neutral and non-polar, with threonine, which is neutral and polar, at codon 959 of the GUCY2D protein (p.Ala959Thr). This variant is present in population databases (rs768417052, gnomAD 0.01%). This variant has not been reported in the literature in individuals affected with GUCY2D-related conditions. ClinVar contains an entry for this variant (Variation ID: 1014167). Invitae Evidence Modeling of protein sequence and biophysical properties (such as structural, functional, and spatial information, amino acid conservation, physicochemical variation, residue mobility, and thermodynamic stability) indicates that this missense variant is not expected to disrupt GUCY2D protein function with a negative predictive value of 80%. In summary, the available evidence is currently insufficient to determine the role of this variant in disease. Therefore, it has been classified as a Variant of Uncertain Significance.

Blueprint Genetics
Classification: Uncertain significance. Last evaluated: 2019-10-10. Review status: criteria provided, single submitter. Criteria: ACMG Guidelines, 2015. Collection method: clinical testing. Allele origin: germline.